The following is an entry in ClinVar:

NM_000156.6(GAMT):c.391G>C (p.Gly131Arg)

Gene: GAMT (guanidinoacetate N-methyltransferase; minus strand). Cytogenetic location: 19p13.3.
Variant type: single nucleotide variant.
Coding change: c.391G>C on transcript NM_000156.6 (MANE Select); coding-DNA position 391, G replaced by C.
Protein change: p.Gly131Arg; replaces glycine 131 with arginine.
Molecular consequence: missense variant.
Genome position (GRCh38, 1-based): chr19:1,399,524, C>G on the plus strand (G>C on the coding strand, the complement: GAMT is on the minus strand). VCF-style: chr19-1399524-C-G. GRCh37 (hg19) VCF-style: chr19-1399523-C-G.
Other names: NM_138924.3:c.391G>C; c.391G>C, p.Gly131Arg (NM_138924.3); short protein forms G131R.
Identifiers: ClinVar variation 2446458 (VCV002446458.2), dbSNP rs2144637411, ClinGen allele CA402995480.

ClinVar aggregate classification (germline): Pathogenic (3 of 4 stars; one submission).

Conditions:
Deficiency of guanidinoacetate methyltransferase (CCDS2). Also called: Guanidinoacetate Methyltransferase (GAMT) Deficiency; CEREBRAL CREATINE DEFICIENCY SYNDROME 2; GAMT DEFICIENCY. Identifiers: Orphanet 382, MedGen C0574080, MONDO:0012999, OMIM 612736.

Allele frequency attached by ClinVar (database versions not stated): gnomAD exomes below 0.00001.
gnomAD v4.1: 1 of 1,612,578 alleles (0.000062%); highest among the groups gnomAD compares: East Asian, 0.0022%; no homozygotes.

Submission:

ClinGen Cerebral Creatine Deficiency Syndromes Variant Curation Expert Panel, ClinGen
Classification: Pathogenic for Deficiency of guanidinoacetate methyltransferase. Last evaluated: 2025-12-10. Review status: reviewed by expert panel. Criteria: ClinGen CCDS ACMG Specifications GAMT V2.0.0. Collection method: curation. Allele origin: germline. Inheritance: Autosomal recessive inheritance.
Comment: The NM_000156.6:c.391G>C variant in GAMT is a missense variant that is predicted to cause the substitution of a glycine with an arginine at amino acid position 131 (p.Gly131Arg). This variant has been previously reported in at least one individual with GAMT deficiency (PMID: 23846910), who was compound heterozygous for this variant and a variant of uncertain significance c.578A>G (p.Gln193Arg) (ClinVar Variation ID: 1328978) with unknown phase. This individual showed an absent creatine peak on brain magnetic resonance spectroscopy and elevated urine GAA with low creatine with full GAMT gene sequencing (PMID: 23846910) (PP4_Strong). The highest population minor allele frequency in gnomAD v4.1.0. is 0.0000223 (1/44874 alleles) in the East Asian population, which is lower than the ClinGen CCDS VCEP’s threshold for PM2_Supporting (<0.0004), meeting this criterion (PM2_Supporting). The computational splicing predictor SpliceAI gives a score of 0.8 for donor loss, predicting that the variant disrupts the donor splice site of intron 3 of GAMT. If any protein is made, the variant is predicted to result in a missense, p.Gly131Arg. The computational predictor REVEL gives a score of 0.958 for this missense variant, which is above the threshold of 0.75, evidence that correlates with impact to GAMT function (PP3_Strong). This variant was shown to result in abnormal splicing, frameshift, and premature termination based on cDNA analysis from an affected individual (PMID: 23846910). Based on the chromatograms shown in the publication, the altered splicing seems incomplete; however, the report does not specify the percentage of alternately spliced transcript. Given the uncertainty about the degree of altered splicing, PVS1 was not applied. There is a ClinVar entry for this variant (Variation ID: 2446458). In summary, this variant meets criteria to be classified as pathogenic for guanidinoacetate methyltransferase GAMT) deficiency. GAMT-specific ACMG/AMP criteria applied, as specified by the ClinGen Cerebral Creatine Deficiencies Variant Curation Expert Panel (CCDS VCEP) (Specifications version 2.0.0): PM2_Supporting, PP3_Strong, PP4_Strong. (Classification approved by the ClinGen Cerebral Creatine Deficiency Syndromes Variant Curation Expert Panel on December 10, 2025)